The following is an entry in ClinVar:

ClinVar aggregate classification (germline): Likely pathogenic (1 of 4 stars; one submission).

Conditions:
Dilated cardiomyopathy 1AA (CMD1AA). Also called: Cardiomyopathy, dilated, 1AA, with or without LVNC; CARDIOMYOPATHY, DILATED, 1AA, WITH OR WITHOUT LEFT VENTRICULAR NONCOMPACTION; CARDIOMYOPATHY, FAMILIAL HYPERTROPHIC, 23, WITH OR WITHOUT LEFT VENTRICULAR NONCOMPACTION. Identifiers: Orphanet 154, MedGen C2677338, MONDO:0012808, OMIM 612158.

Submission:

Victorian Clinical Genetics Services, Murdoch Childrens Research Institute
Classification: Likely pathogenic for Dilated cardiomyopathy 1AA. Last evaluated: 2024-09-20. Review status: criteria provided, single submitter. Criteria: ACMG Guidelines, 2015. Collection method: clinical testing. Allele origin: germline. Inheritance: Autosomal dominant inheritance. Affected: yes.
Comment: Based on the classification scheme VCGS_Germline_v1.3.4, this variant is classified as Likely Pathogenic. Following criteria are met: 0102 - Loss of function is a known mechanism of disease in this gene and is associated with intrinsic cardiomyopathy (MONDO:0000591), ACTN2-related (OMIM, ClinGen). Loss of function has been demonstrated as a disease mechanism associated with missense variants, while dominant negative has also been suggested and associated with an in-frame deletion (PMID: 34802252). Additionally, loss of function is a likely mechanism of disease for null variants. (I) 0107 - This gene is associated with autosomal dominant disease. (I) 0201 - Variant is predicted to cause nonsense-mediated decay (NMD) and loss of protein (premature termination codon is located at least 54 nucleotides upstream of the final exon-exon junction). (SP) 0251 - This variant is heterozygous. (I) 0301 - Variant is absent from gnomAD (both v2 and v3). (SP) 0708 - Other NMD-predicted variants comparable to the one identified in this case have conflicting previous evidence for pathogenicity. Other NMD-predicted variants in this gene have been classified as VUS, likely pathogenic and pathogenic, and have been identified in individuals with hypertrophic cardiomyopathy, non-compaction cardiomyopathy, dilated cardiomyopathy and mitral valve prolapse (ClinVar, reviewed by PMID: 36116040, PMID: 32973354, PMID: 33500567, PMID: 28436997, PMID: 31333075). Additionally, there is an enrichment of truncating variants in cohorts with left ventricular noncompaction cardiomyopathy (PMID: 33500567). (I) 0809 - Previous evidence of pathogenicity for this variant is inconclusive. This variant has been classified once as a VUS (LOVD). (I) 0905 - No published segregation evidence has been identified for this variant. (I) 1007 - No published functional evidence has been identified for this variant. (I) Legend: (SP) - Supporting pathogenic, (I) - Information, (SB) - Supporting benign

Literature cited by the submitters: PubMed 28436997; PubMed 31333075; PubMed 32973354; PubMed 33500567; PubMed 36116040; PubMed 34802252.

NM_001103.4(ACTN2):c.1378C>T (p.Gln460Ter)

Gene: ACTN2 (actinin alpha 2; plus strand). Cytogenetic location: 1q43.
Variant type: single nucleotide variant.
Coding change: c.1378C>T on transcript NM_001103.4 (MANE Select); coding-DNA position 1378, C replaced by T.
Protein change: p.Gln460Ter; replaces glutamine 460 with a stop codon.
Molecular consequence: nonsense. On other transcripts: non-coding transcript variant (1).
Genome position (GRCh38, 1-based): chr1:236,744,748, C>T. VCF-style: chr1-236744748-C-T. GRCh37 (hg19) VCF-style: chr1-236908048-C-T.
Other names: c.1378C>T, p.Gln460Ter (NM_001278343.2); short protein forms Q460*.
Identifiers: ClinVar variation 3254576 (VCV003254576.2), dbSNP rs2527614713.
Genomic context (GRCh38, chr1:236,744,748, plus strand): 5'-CTGCTGCGGAAGCACGAGGCGTTCGAGAGCGACCTGGCAGCGCACCAGGACCGCGTGGAG[C>T]AGATCGCAGCCATCGCGCAGGAGCTCAAGTATGTGCAGATGCCCTCCGTCCTCCCGGGAG-3'